The following is an entry in ClinVar:

NM_001190274.2(FBXO11):c.1981_1983del (p.His661del)

Gene: FBXO11 (F-box protein 11; minus strand). Cytogenetic location: 2p16.3.
Variant type: Deletion.
Coding change: c.1981_1983del on transcript NM_001190274.2 (MANE Select); coding-DNA positions 1981 to 1983, 3 bases deleted (CAT; older notation c.1981_1983delCAT).
Protein change: p.His661del; deletes histidine 661.
Molecular consequence: inframe deletion.
Genome position (GRCh38, 1-based): chr2:47,818,802-47,818,804, ATG deleted on the plus strand (CAT on the coding strand, the reverse complement: FBXO11 is on the minus strand); deleting any 3 consecutive bases within chr2:47,818,802-47,818,806 gives the same sequence; the c. name uses the placement nearest the transcript's 3' end. VCF-style (leftmost placement, unchanged base first): chr2-47818801-TATG-T. GRCh37 (hg19) VCF-style: chr2-48045940-TATG-T.
Other names: c.1729_1731del, p.His577del (NM_001374325.1, NM_025133.4); short protein forms H577del, H661del.
Identifiers: ClinVar variation 2431463 (VCV002431463.2), dbSNP rs2531056678, ClinGen allele CA2580067870.

ClinVar aggregate classification (germline): Uncertain significance (1 of 4 stars; one submission).

Conditions:
Intellectual developmental disorder with dysmorphic facies and behavioral abnormalities. Identifiers: MedGen C4748135, MONDO:0060760, OMIM 618089.

Submission:

Laboratorio de Genetica e Diagnostico Molecular, Hospital Israelita Albert Einstein
Classification: Uncertain significance for Intellectual developmental disorder with dysmorphic facies and behavioral abnormalities. Last evaluated: 2022-08-02. Review status: criteria provided, single submitter. Criteria: ACMG Guidelines, 2015. Collection method: clinical testing. Allele origin: germline. Affected: yes.
Comment: ACMG classification criteria: PM2 moderated, PM4